The following is an entry in ClinVar:

NM_033100.4(CDHR1):c.950_958del (p.Glu317_His319del)

Gene: CDHR1 (cadherin related family member 1; plus strand). Cytogenetic location: 10q23.1.
Variant type: Deletion.
Coding change: c.950_958del on transcript NM_033100.4 (MANE Select); coding-DNA positions 950 to 958, 9 bases deleted (AGCTGCATG; older notation c.950_958delAGCTGCATG).
Protein change: p.Glu317_His319del.
Molecular consequence: inframe deletion.
Genome position (GRCh38, 1-based): chr10:84,205,914-84,205,922, AGCTGCATG deleted; deleting any 9 consecutive bases within chr10:84,205,911-84,205,922 gives the same sequence; the c. name uses the placement nearest the transcript's 3' end. VCF-style (leftmost placement, unchanged base first): chr10-84205910-TATGAGCTGC-T. GRCh37 (hg19) VCF-style: chr10-85965666-TATGAGCTGC-T.
Other names: c.950_958del, p.Glu317_His319del (NM_001171971.3).
Identifiers: ClinVar variation 2661958 (VCV002661958.1), dbSNP rs2492510854, ClinGen allele CA2574597503.

ClinVar aggregate classification (germline): Uncertain significance (1 of 4 stars; one submission).

Submission:

GeneDx
Classification: Uncertain significance. Last evaluated: 2023-04-28. Review status: criteria provided, single submitter. Criteria: GeneDx Variant Classification Process June 2021. Collection method: clinical testing. Allele origin: germline. Affected: yes.
Comment: In-frame deletion of 3 amino acids in a non-repeat region; Not observed at significant frequency in large population cohorts (gnomAD); In silico analysis supports that this variant does not alter protein structure/function; Has not been previously published as pathogenic or benign to our knowledge